The following is an entry in ClinVar:

ClinVar aggregate classification (germline): Benign. Review status: reviewed by expert panel (3 of 4 stars). 19 submissions from 18 submitters: Benign (1). 18 of the submissions do not count toward it. Last evaluated 2021-03-18.

Conditions:
RYR1-related myopathy. Identifiers: Orphanet 98742, MedGen CN305348, MONDO:0100150.
Congenital multicore myopathy with external ophthalmoplegia (CMYO1B). Also called: Congenital myopathy 1B, autosomal recessive; Minicore myopathy; MULTICORE MYOPATHY; MULTIMINICORE DISEASE WITH EXTERNAL OPHTHALMOPLEGIA; Minicore myopathy with external ophthalmoplegia. Identifiers: Orphanet 598, Orphanet 98905, MedGen C1850674, MONDO:0009712, OMIM 255320, HP:0003789.
Central core myopathy (CMYO1A). Also called: CONGENITAL MYOPATHY 1A, AUTOSOMAL DOMINANT, WITH SUSCEPTIBILITY TO MALIGNANT HYPERTHERMIA; Central core disease; Myopathy, central fibrillar. Identifiers: Orphanet 597, MedGen C5830701, MONDO:0007294, OMIM 117000.
Congenital myopathy with fiber type disproportion. Also called: Congenital fiber-type disproportion; Congenital fiber-type disproportion myopathy. Identifiers: Orphanet 2020, MedGen C0546264, MONDO:0009711. Inheritance: all.
King Denborough syndrome (KDS). Identifiers: MedGen C1840365, MONDO:0020485, OMIM 619542.
Malignant hyperthermia, susceptibility to, 1 (MHS1). Also called: Malignant hyperthermia suceptibility 1; Anesthesia related hyperthermia; Malignant hyperpyrexia; Fulminating hyperpyrexia; Pharmacogenic myopathy; RYR1-Related Malignant Hyperthermia Susceptibility. Identifiers: Orphanet 423, MedGen C2930980, MONDO:0007783, OMIM 145600.
RYR1-related disorder. Also called: RYR1-related disorders; RYR1-related condition. Identifiers: MedGen CN239331.

Allele frequency attached by ClinVar (database versions not stated): TOPMed 0.00064; ESP Exome Variant Server 0.00085; gnomAD exomes 0.00125 and 0.00044; 1000 Genomes Project 30x 0.00016; 1000 Genomes Project 0.00020; ExAC 0.00039; gnomAD 0.00057 and 0.00058.
gnomAD v4.1: 1,890 of 1,614,188 alleles (0.12%); highest among the groups gnomAD compares: Non-Finnish European, 0.15%; no homozygotes.

Submissions 1 to 10 of 19:

ClinGen Malignant Hyperthermia Susceptibility Variant Curation Expert Panel, ClinGen
Classification: Benign for Malignant hyperthermia, susceptibility to, 1. Last evaluated: 2021-03-18. Review status: reviewed by expert panel. Criteria: ClinGen MHS ACMG Specifications V1. Collection method: curation. Allele origin: germline. Inheritance: Autosomal dominant inheritance. Study: ClinGen.
Comment: This pathogenicity assessment is relevant only for malignant hyperthermia susceptibility (MHS) inherited in an autosomal dominant pattern. Variants in RYR1 can also cause other myopathies inherited in an autosomal dominant pattern or in an autosomal recessive pattern. Some of these disorders may predispose individuals to malignant hyperthermia. RYR1 variants may also contribute to a malignant hyperthermia reaction in combination with other genetic and non-genetic factors and the clinician needs to consider such factors in making management decisions. This sequence variant predicts a substitution of isoleucine with valine at codon 2321 of the RYR1 protein p.(Ile2321Val). The maximum allele frequency for this variant among the six major gnomAD populations is NFE: 0.00081, this is considered to be more common than expected for a pathogenic variant causing autosomal dominant MHS, BS1. This variant has been reported in four unrelated individuals who have a personal or family history of a malignant hyperthermia reaction, all of these individuals had a positive in vitro contracture test (IVCT) or caffeine halothane contracture test (CHCT) result (when the proband was unavailable for testing a positive diagnostic test result in a mutation positive relative was counted) (PMID:30236257; PMID:23558838). However, the high MAF in the NFE population in gnomAD precludes the use of PS4. This variant has been identified in families with genotype positive/ phenotype negative individuals (IVCT) supporting a benign status, BS2 (PMID:30236257, personal communications). Variant did not show increased sensitivity to RYR1 agonists in HEK293 assay (personal communication), BS3_Supporting. This variant resides in a region of RYR1 considered to be a hotspot for pathogenic variants that contribute to MHS, PM1 (PMID: 21118704). A REVEL score of 0.712 does not support pathogenic or a benign status. This variant has been classified as Benign. Criteria implemented: BS1, BS2, BS3_Supporting, PM1.

CeGaT Center for Human Genetics Tuebingen
Classification: Likely benign. Last evaluated: 2026-09-01. Review status: criteria provided, single submitter. Criteria: CeGaT Center For Human Genetics Tuebingen Variant Classification Criteria Version 2. Collection method: clinical testing. Allele origin: germline. Affected: yes. Observed: 14 variant alleles. Not counted in ClinVar's aggregate classification.
Comment: RYR1: BS1

Labcorp Genetics (formerly Invitae), Labcorp
Classification: Likely benign for RYR1-related disorder. Last evaluated: 2026-02-01. Review status: criteria provided, single submitter. Criteria: Invitae Variant Classification Sherloc (09022015). Collection method: clinical testing. Allele origin: germline. Not counted in ClinVar's aggregate classification.

GeneDx
Classification: Uncertain significance. Last evaluated: 2025-09-25. Review status: criteria provided, single submitter. Criteria: GeneDx Variant Classification Process June 2021. Collection method: clinical testing. Allele origin: germline. Affected: yes. Not counted in ClinVar's aggregate classification.
Comment: Identified in patients with malignant hyperthermia; however, additional clinical information was not provided and functional characterization of the variant was not completed (PMID: 16917943, 30236257); Also reported as a polymorphism (PMID: 19191329, 23558838, 24195946); In silico analysis suggests that this missense variant does not alter protein structure/function; This variant is associated with the following publications: (PMID: 24948473, 26972305, 24195946, 26332594, 23558838, 27377473, 20301325, 24055113, 25637381, 30788618, 30236257, 27663056, 34348614, 36208971, 37937776, 12668474, 33767344, 19191329, 16917943)

PreventionGenetics, part of Exact Sciences
Classification: Likely benign for RYR1-related condition. Last evaluated: 2025-06-02. Review status: criteria provided, single submitter. Criteria: ACMG Guidelines, 2015. Collection method: clinical testing. Allele origin: germline. Not counted in ClinVar's aggregate classification.
Comment: This variant is classified as likely benign based on ACMG/AMP sequence variant interpretation guidelines (Richards et al. 2015 PMID: 25741868, with internal and published modifications).

Revvity Omics, Revvity
Classification: Uncertain significance. Last evaluated: 2025-01-28. Review status: criteria provided, single submitter. Criteria: ACMG Guidelines, 2015. Collection method: clinical testing. Allele origin: germline. Not counted in ClinVar's aggregate classification.

Blueprint Genetics
Classification: Likely benign. Last evaluated: 2024-09-16. Review status: criteria provided, single submitter. Criteria: ACMG Guidelines, 2015. Collection method: clinical testing. Allele origin: germline. Not counted in ClinVar's aggregate classification.

Women's Health and Genetics/Laboratory Corporation of America, LabCorp
Classification: Likely benign. Last evaluated: 2024-06-12. Review status: criteria provided, single submitter. Criteria: LabCorp Variant Classification Summary - May 2015. Collection method: clinical testing. Allele origin: germline. Not counted in ClinVar's aggregate classification.
Comment: Variant summary: RYR1 c.6961A>G (p.Ile2321Val) results in a conservative amino acid change located in the RIH domain (IPR000699) of the encoded protein sequence. Three of five in-silico tools predict a damaging effect of the variant on protein function. The variant allele was found at a frequency of 0.00044 in 251396 control chromosomes. The observed variant frequency is approximately 5-fold of the estimated maximal expected allele frequency for a pathogenic variant in RYR1 causing Malignant Hyperthermia Susceptibility phenotype (8.8e-05). c.6961A>G has been reported in the literature in individuals affected with Malignant Hyperthermia Susceptibility without strong evidence for causality (such as segregation) (examples: Brandom_2013, Miller_2018, Levano_2009, Lopez_2016, Jensson_2023). The variant has also been reported to co-occur with other pathogenic variants (RYR1: c.14545G>A, c.38T>G) (Levano_2009, Lopez_2016.). At least one publication reports experimental evidence evaluating an impact on protein function. These results showed no damaging effect of this variant (White_2022). The following publications have been ascertained in the context of this evaluation (PMID: 30236257, 37937776, 19191329, 27382027, 36208971, 23558838). ClinVar contains an entry for this variant (Variation ID: 133173). Based on the evidence outlined above, the variant was classified as likely benign.

Color Diagnostics, LLC DBA Color Health
Classification: Likely benign for Malignant hyperthermia, susceptibility to, 1. Last evaluated: 2022-07-13. Review status: criteria provided, single submitter. Criteria: ACMG Guidelines, 2015. Collection method: clinical testing. Allele origin: germline. Not counted in ClinVar's aggregate classification.

Fulgent Genetics
Classification: Benign for Central core myopathy; Malignant hyperthermia, susceptibility to, 1; Congenital myopathy 4A, autosomal dominant; Congenital multicore myopathy with external ophthalmoplegia; King Denborough syndrome. Last evaluated: 2021-10-10. Review status: criteria provided, single submitter. Criteria: ACMG Guidelines, 2015. Collection method: clinical testing. Allele origin: unknown. Not counted in ClinVar's aggregate classification.

NM_000540.3(RYR1):c.6961A>G (p.Ile2321Val)

Gene: RYR1 (ryanodine receptor 1; plus strand). Cytogenetic location: 19q13.2.
Variant type: single nucleotide variant.
Coding change: c.6961A>G on transcript NM_000540.3 (MANE Select); coding-DNA position 6961, A replaced by G.
Protein change: p.Ile2321Val; replaces isoleucine 2321 with valine.
Molecular consequence: missense variant.
Genome position (GRCh38, 1-based): chr19:38,499,177, A>G. VCF-style: chr19-38499177-A-G. GRCh37 (hg19) VCF-style: chr19-38989817-A-G.
Other names: NM_000540.3(RYR1):c.6961A>G; c.6961A>G, p.Ile2321Val (NM_001042723.2); short protein forms I2321V.
Identifiers: ClinVar variation 133173 (VCV000133173.76), dbSNP rs34390345, ClinGen allele CA024659.
Genomic context (GRCh38, chr19:38,499,177, plus strand): 5'-TACCTGGCAGGCTGTGGCCTCCAGAGCTGCCCCATGCTTGTGGCCAAAGGGTACCCAGAC[A>G]TTGGCTGGAACCCCTGTGGTGGAGAGCGCTACCTGGACTTCCTGCGCTTTGCTGTCTTCG-3'
Protein context (NP_000531.2, residues 2311-2331): PMLVAKGYPD[Ile2321Val]GWNPCGGERY